The following is an entry in ClinVar:

NM_001303052.2(MYT1L):c.2063GCA[3] (p.Ser691del)

Gene: MYT1L (myelin transcription factor 1 like; minus strand). Cytogenetic location: 2p25.3.
Variant type: Microsatellite.
Coding change: c.2063GCA[3] on transcript NM_001303052.2 (MANE Select); three copies in a row of the 3-base unit GCA starting at c.2063; the reference has four copies in a row; one copy, 3 bases deleted.
Protein change: p.Ser691del; deletes serine 691.
Molecular consequence: inframe deletion.
Genome position (GRCh38, 1-based): chr2:1,892,246-1,892,248, TGC deleted on the plus strand (GCA on the coding strand, the reverse complement: MYT1L is on the minus strand); deleting any 3 consecutive bases within chr2:1,892,246-1,892,259 gives the same sequence; the position shown is the placement nearest the transcript's 3' end. VCF-style (leftmost placement, unchanged base first): chr2-1892245-GTGC-G. GRCh37 (hg19) VCF-style: chr2-1896017-GTGC-G.
Other names: c.2063GCA[3], p.Ser691del (NM_001329844.2, NM_001329845.1, NM_001329851.3); c.2057GCA[3], p.Ser689del (NM_001329846.3, NM_001329847.2, NM_001329848.1 and 3 more transcripts); short protein forms S689del, S691del.
Identifiers: ClinVar variation 2663611 (VCV002663611.1), dbSNP rs1553300436, ClinGen allele CA345713017.
Genomic context (GRCh38, chr2:1,892,245, plus strand): 5'-CTGGCGCTGCTGCCCCCGCCGCAGCTCAGGTTGCTGCTGCTGCTGGGCGCGTAGCTGCTG[GTGC>G]TGCTGCTGCTGGGGCTGGGGTCCTTGCAGTACCGCTTCGCTGGGGAGACAGGGACAGGGA-3'

ClinVar aggregate classification (germline): Uncertain significance (1 of 4 stars; one submission).

Submission:

GeneDx
Classification: Uncertain significance. Last evaluated: 2023-04-18. Review status: criteria provided, single submitter. Criteria: GeneDx Variant Classification Process June 2021. Collection method: clinical testing. Allele origin: germline. Affected: yes.
Comment: In-frame deletion of 1 amino acid in a non-repeat region; In silico analysis supports a deleterious effect on protein structure/function; Has not been previously published as pathogenic or benign to our knowledge